The following is an entry in ClinVar:

ClinVar aggregate classification (germline): Benign; risk factor. Review status: no assertion criteria provided (0 of 4 stars). 2 submissions from 2 submitters: Benign (1). Last evaluated 2019-12-05.

Conditions:
Malaria, cerebral, susceptibility to. Identifiers: MedGen C1855457.
ICAM1-related disorder. Also called: ICAM1-related condition.

Allele frequency attached by ClinVar (database versions not stated): gnomAD 0.07105 and 0.07466; TOPMed 0.07648; 1000 Genomes Project 0.08446; 1000 Genomes Project 30x 0.08620.

Submissions (2):

PreventionGenetics, part of Exact Sciences
Classification: Benign for ICAM1-related condition. Last evaluated: 2019-12-05. Review status: no assertion criteria provided. Collection method: clinical testing. Allele origin: germline.
Comment: This variant is classified as benign based on ACMG/AMP sequence variant interpretation guidelines (Richards et al. 2015 PMID: 25741868, with internal and published modifications).

OMIM
Classification: risk factor for MALARIA, CEREBRAL, SUSCEPTIBILITY TO. Last evaluated: 2013-09-01. Review status: no assertion criteria provided. Collection method: literature only. Allele origin: germline.

Literature cited by the submitters: PubMed 9259284 (cited by OMIM); PubMed 9861406 (cited by OMIM); PubMed 10417733 (cited by OMIM); PubMed 10699175 (cited by OMIM); PubMed 23609612 (cited by OMIM).

NM_000201.3(ICAM1):c.167A>T (p.Lys56Met)

Genes: ICAM1 (intercellular adhesion molecule 1; plus strand), LIMASI (lncRNA inflammatory and mucous response associated, antisense to ICAM1; minus strand). Cytogenetic location: 19p13.2.
Variant type: single nucleotide variant.
Coding change: c.167A>T on transcript NM_000201.3 (MANE Select); coding-DNA position 167, A replaced by T.
Protein change: p.Lys56Met; replaces lysine 56 with methionine.
Molecular consequence: missense variant.
Genome position (GRCh38, 1-based): chr19:10,274,864, A>T. VCF-style: chr19-10274864-A-T. GRCh37 (hg19) VCF-style: chr19-10385540-A-T.
Other names: K29M; c.167A>T (NM_000201.2); short protein forms K56M.
Identifiers: ClinVar variation 14661 (VCV000014661.3), dbSNP rs5491, ClinGen allele CA124181.